The following is an entry in ClinVar:

ClinVar aggregate classification (germline): Likely benign (1 of 4 stars; one submission).

Conditions:
Microcephaly, normal intelligence and immunodeficiency (NBS). Also called: IMMUNODEFICIENCY, MICROCEPHALY, AND CHROMOSOMAL INSTABILITY; SEEMANOVA SYNDROME II; BERLIN BREAKAGE SYNDROME; Nijmegen breakage syndrome; Microcephaly with normal intelligence immunodeficiency and lymphoreticular malignancies; Nonsyndromal microcephaly autosomal recessive with normal intelligence. Identifiers: Orphanet 647, MedGen C0398791, MONDO:0009623, OMIM 251260.

Allele frequency attached by ClinVar (database versions not stated): gnomAD exomes 0.00104; 1000 Genomes Project 30x 0.00484; TOPMed 0.00493; 1000 Genomes Project 0.00499.

Submission:

Illumina Laboratory Services, Illumina
Classification: Likely benign for Microcephaly, normal intelligence and immunodeficiency. Last evaluated: 2018-01-13. Review status: criteria provided, single submitter. Criteria: ICSL Variant Classification Criteria 13 December 2019. Collection method: clinical testing. Allele origin: germline.
Comment: This variant was observed in the ICSL laboratory as part of a predisposition screen in an ostensibly healthy population. It had not been previously curated by ICSL or reported in the Human Gene Mutation Database (HGMD: prior to June 1st, 2018), and was therefore a candidate for classification through an automated scoring system. Utilizing variant allele frequency, disease prevalence and penetrance estimates, and inheritance mode, an automated score was calculated to assess if this variant is too frequent to cause the disease. Based on the score and internal cut-off values, a variant classified as likely benign is not then subjected to further curation. The score for this variant resulted in a classification of likely benign for this disease.

NM_002485.5(NBN):c.*1583G>A

Gene: NBN (nibrin; minus strand). Cytogenetic location: 8q21.3.
Variant type: single nucleotide variant.
Coding change: c.*1583G>A on transcript NM_002485.5 (MANE Select); 1583 bases downstream of the stop codon, G replaced by A.
Molecular consequence: 3 prime UTR variant.
Genome position (GRCh38, 1-based): chr8:89,933,999, C>T on the plus strand (G>A on the coding strand, the complement: NBN is on the minus strand). VCF-style: chr8-89933999-C-T. GRCh37 (hg19) VCF-style: chr8-90946227-C-T.
Other names: c.*1583G>A (NM_001024688.3).
Identifiers: ClinVar variation 909825 (VCV000909825.4), dbSNP rs139384734, ClinGen allele CA181266636.
Genomic context (GRCh38, chr8:89,933,999, plus strand): 5'-ATTGGAATGGTTAAAAAGGAAAAATACTGACAACACCAATATTTGTAAAGACAGGAGGTA[C>T]CAGAACTCTCATTCATTATATTCATAAATTGACAAATATAAAAACTGCTATAGTAGGGCA-3'